The following is an entry in ClinVar:

NM_000393.5(COL5A2):c.339A>G (p.Gly113=)

Gene: COL5A2 (collagen type V alpha 2 chain; minus strand). Cytogenetic location: 2q32.2.
Variant type: single nucleotide variant.
Coding change: c.339A>G on transcript NM_000393.5 (MANE Select); coding-DNA position 339, A replaced by G.
Protein change: p.Gly113=; no amino-acid change (glycine 113 retained).
Molecular consequence: synonymous variant.
Genome position (GRCh38, 1-based): chr2:189,100,137, T>C on the plus strand (A>G on the coding strand, the complement: COL5A2 is on the minus strand). VCF-style: chr2-189100137-T-C. GRCh37 (hg19) VCF-style: chr2-189964863-T-C.
Identifiers: ClinVar variation 3778481 (VCV003778481.8).

ClinVar aggregate classification (germline): Likely benign. Review status: criteria provided, multiple submitters, no conflicts (2 of 4 stars). 2 submissions from 2 submitters: Likely benign (2). Last evaluated 2025-09-06.

Conditions:
Ehlers-Danlos syndrome, classic type, 1 (EDSCL1). Also called: EHLERS-DANLOS SYNDROME, GRAVIS TYPE; EHLERS-DANLOS SYNDROME, SEVERE CLASSIC TYPE; Ehlers-Danlos syndrome, type 1; Ehlers-Danlos Syndrome, Classic Type, COL5A1-Related; EDS I. Identifiers: MedGen C0268335, MONDO:0019567, OMIM 130000.

Submissions (2):

Labcorp Genetics (formerly Invitae), Labcorp
Classification: Likely benign for Ehlers-Danlos syndrome, classic type, 1. Last evaluated: 2025-09-06. Review status: criteria provided, single submitter. Criteria: Invitae Variant Classification Sherloc (09022015). Collection method: clinical testing. Allele origin: germline.

CeGaT Center for Human Genetics Tuebingen
Classification: Likely benign. Last evaluated: 2025-03-01. Review status: criteria provided, single submitter. Criteria: CeGaT Center For Human Genetics Tuebingen Variant Classification Criteria Version 2. Collection method: clinical testing. Allele origin: germline. Affected: yes. Observed: 1 variant allele.
Comment: COL5A2: PM2:Supporting, BP4, BP7